The following is an entry in ClinVar:

ClinVar aggregate classification (germline): Likely pathogenic (1 of 4 stars; one submission).

Conditions:
Retinitis pigmentosa 25 (RP25). Identifiers: Orphanet 791, MedGen C1864446, MONDO:0011272, OMIM 602772.

Submission:

Natera, Inc.
Classification: Likely pathogenic for Retinitis pigmentosa type 25. Last evaluated: 2025-08-30. Review status: criteria provided, single submitter. Criteria: Natera Variant Classification Schema (03/2026). Collection method: clinical testing. Allele origin: germline.
Comment: The c.4695del variant in EYS is a frameshift variant predicted to shift the reading frame beginning at codon 1565 and leads to a stop codon 24 codons downstream. This variant is expected to result in nonsense mediated decay, truncation, or a dysfunctional protein product. This variant is rare in the general population with a frequency below the threshold expected for the associated phenotype(s). Given the available evidence, this variant is classified as Likely Pathogenic.

NM_001142800.2(EYS):c.4695del (p.Lys1565fs)

Gene: EYS (EGF-like photoreceptor maintenance factor; minus strand). Cytogenetic location: 6q12.
Variant type: Deletion.
Coding change: c.4695del on transcript NM_001142800.2 (MANE Select); coding-DNA position 4695, one base deleted (A; older notation c.4695delA).
Protein change: p.Lys1565fs; shifts the reading frame from lysine 1565.
Molecular consequence: frameshift variant.
Genome position (GRCh38, 1-based): chr6:64,591,172, T deleted on the plus strand (A on the coding strand, the reverse complement: EYS is on the minus strand); the first of 4 consecutive T bases (chr6:64,591,172-64,591,175); deleting any one gives the same sequence. VCF-style (leftmost placement, unchanged base first): chr6-64591171-AT-A. GRCh37 (hg19) VCF-style: chr6-65301064-AT-A.
Other names: c.4695del, p.Lys1565fs (NM_001292009.2); short protein forms K1565fs.
Identifiers: ClinVar variation 4814640 (VCV004814640.1).